The following is an entry in ClinVar:

NM_006260.5(DNAJC3):c.162T>G (p.Ala54=)

Gene: DNAJC3 (DnaJ heat shock protein family (Hsp40) member C3; plus strand). Cytogenetic location: 13q32.1.
Variant type: single nucleotide variant.
Coding change: c.162T>G on transcript NM_006260.5 (MANE Select); coding-DNA position 162, T replaced by G.
Protein change: p.Ala54=; no amino-acid change (alanine 54 retained).
Molecular consequence: synonymous variant.
Genome position (GRCh38, 1-based): chr13:95,709,306, T>G. VCF-style: chr13-95709306-T-G. GRCh37 (hg19) VCF-style: chr13-96361560-T-G.
Identifiers: ClinVar variation 724566 (VCV000724566.28), dbSNP rs61758425, ClinGen allele CA7021198.

ClinVar aggregate classification (germline): Benign/Likely benign. Review status: criteria provided, multiple submitters, no conflicts (2 of 4 stars). 3 submissions from 3 submitters: Benign (1); Likely benign (1). 1 of the submissions does not count toward it. Last evaluated 2023-02-01.

Conditions:
DNAJC3-related disorder. Also called: DNAJC3-related condition.

Allele frequency attached by ClinVar (database versions not stated): 1000 Genomes Project 30x 0.00078; 1000 Genomes Project 0.00080; gnomAD 0.00089; TOPMed 0.00092; gnomAD exomes 0.00135 and 0.00147; ExAC 0.00160; ESP Exome Variant Server 0.00161.
gnomAD v4.1: 2,246 of 1,590,026 alleles (0.14%); highest among the groups gnomAD compares: Non-Finnish European, 0.18%; 3 homozygotes.

Submissions (3):

CeGaT Center for Human Genetics Tuebingen
Classification: Likely benign. Last evaluated: 2023-02-01. Review status: criteria provided, single submitter. Criteria: CeGaT Center For Human Genetics Tuebingen Variant Classification Criteria Version 2. Collection method: clinical testing. Allele origin: germline. Affected: yes. Observed: 2 variant alleles.
Comment: DNAJC3: BP4, BP7

Labcorp Genetics (formerly Invitae), Labcorp
Classification: Benign. Last evaluated: 2018-01-23. Review status: criteria provided, single submitter. Criteria: Invitae Variant Classification Sherloc (09022015). Collection method: clinical testing. Allele origin: germline.

PreventionGenetics, part of Exact Sciences
Classification: Likely benign for DNAJC3-related condition. Last evaluated: 2019-07-18. Review status: no assertion criteria provided. Collection method: clinical testing. Allele origin: germline. Not counted in ClinVar's aggregate classification.
Comment: This variant is classified as likely benign based on ACMG/AMP sequence variant interpretation guidelines (Richards et al. 2015 PMID: 25741868, with internal and published modifications).